The following is an entry in ClinVar:

NM_000360.4(TH):c.576+2T>G

Gene: TH (tyrosine hydroxylase; minus strand). Cytogenetic location: 11p15.5.
Variant type: single nucleotide variant.
Coding change: c.576+2T>G on transcript NM_000360.4 (MANE Select); the canonical splice donor site of the intron after coding-DNA position 576, T replaced by G.
Molecular consequence: splice donor variant.
Genome position (GRCh38, 1-based): chr11:2,168,089, A>C on the plus strand (T>G on the coding strand, the complement: TH is on the minus strand). VCF-style: chr11-2168089-A-C. GRCh37 (hg19) VCF-style: chr11-2189319-A-C.
Other names: c.657+2T>G (NM_199293.3); c.669+2T>G (NM_199292.3).
Identifiers: ClinVar variation 1495174 (VCV001495174.8), dbSNP rs2133696288, ClinGen allele CA379128314.

ClinVar aggregate classification (germline): Likely pathogenic (1 of 4 stars; one submission).

Conditions:
TH-deficient dopa-responsive dystonia. Also called: Tyrosine Hydroxylase-Deficient Dopa-Responsive Dystonia; Segawa syndrome, autosomal recessive; DYT-TH. Identifiers: Orphanet 101150, MedGen C2673535, MONDO:0011551, OMIM 605407.

Submission:

Labcorp Genetics (formerly Invitae), Labcorp
Classification: Likely pathogenic for TH-deficient dopa-responsive dystonia. Last evaluated: 2020-11-01. Review status: criteria provided, single submitter. Criteria: Invitae Variant Classification Sherloc (09022015). Collection method: clinical testing. Allele origin: germline.
Comment: This sequence change affects a donor splice site in intron 5 of the TH gene. It is expected to disrupt RNA splicing. Variants that disrupt the donor or acceptor splice site typically lead to a loss of protein function (PMID: 16199547), and loss-of-function variants in TH are known to be pathogenic (PMID: 22264700, 24753243). This variant is not present in population databases (ExAC no frequency). This variant has not been reported in the literature in individuals with TH-related conditions. Algorithms developed to predict the effect of sequence changes on RNA splicing suggest that this variant may disrupt the consensus splice site, but this prediction has not been confirmed by published transcriptional studies. In summary, the currently available evidence indicates that the variant is pathogenic, but additional data are needed to prove that conclusively. Therefore, this variant has been classified as Likely Pathogenic.

Literature cited by the submitters: PubMed 16199547; PubMed 22264700; PubMed 24753243.